The following is an entry in ClinVar:

ClinVar aggregate classification (germline): Uncertain significance (1 of 4 stars; one submission).

Submission:

Labcorp Genetics (formerly Invitae), Labcorp
Classification: Uncertain significance. Last evaluated: 2023-08-06. Review status: criteria provided, single submitter. Criteria: Invitae Variant Classification Sherloc (09022015). Collection method: clinical testing. Allele origin: germline.
Comment: This sequence change replaces asparagine, which is neutral and polar, with lysine, which is basic and polar, at codon 529 of the C6 protein (p.Asn529Lys). This variant is not present in population databases (gnomAD no frequency). This variant has not been reported in the literature in individuals affected with C6-related conditions. An algorithm developed to predict the effect of missense changes on protein structure and function (PolyPhen-2) suggests that this variant is likely to be disruptive. In summary, the available evidence is currently insufficient to determine the role of this variant in disease. Therefore, it has been classified as a Variant of Uncertain Significance.

NM_000065.5(C6):c.1587T>A (p.Asn529Lys)

Gene: C6 (complement C6; minus strand). Cytogenetic location: 5p13.1.
Variant type: single nucleotide variant.
Coding change: c.1587T>A on transcript NM_000065.5 (MANE Select); coding-DNA position 1587, T replaced by A.
Protein change: p.Asn529Lys; replaces asparagine 529 with lysine.
Molecular consequence: missense variant.
Genome position (GRCh38, 1-based): chr5:41,160,239, A>T on the plus strand (T>A on the coding strand, the complement: C6 is on the minus strand). VCF-style: chr5-41160239-A-T. GRCh37 (hg19) VCF-style: chr5-41160341-A-T.
Other names: c.1587T>A, p.Asn529Lys (NM_001115131.4); short protein forms N529K.
Identifiers: ClinVar variation 2750742 (VCV002750742.3), dbSNP rs747392993, ClinGen allele CA359597794.
Genomic context (GRCh38, chr5:41,160,239, plus strand): 5'-ACCATAGGTGCCACTCTGACACACACACAGACATTCAGTCCCTGAGAGGGTGGGTCGGCC[A>T]TTATTAGGGCATGGAGCACACTGGCAAGGATCGAACTTGGCTGCATACTCTTGCAAAGCT-3'
Protein context (NP_000056.2, residues 519-539): DPCQCAPCPN[Asn529Lys]GRPTLSGTEC